The following is an entry in ClinVar:

ClinVar aggregate classification (germline): Uncertain significance. Review status: criteria provided, multiple submitters, no conflicts (2 of 4 stars). 2 submissions from 2 submitters: Uncertain significance (2). Last evaluated 2022-07-05.

Conditions:
Breast and/or ovarian cancer. Identifiers: MedGen CN221562.
Hereditary cancer-predisposing syndrome. Also called: Neoplastic Syndromes, Hereditary; Tumor predisposition; Hereditary Cancer Syndrome; Hereditary neoplastic syndrome. Identifiers: Orphanet 140162, MedGen C0027672, MeSH D009386, MONDO:0015356.

Submissions (2):

CHEO Genetics Diagnostic Laboratory, Children's Hospital of Eastern Ontario
Classification: Uncertain significance for Breast and/or ovarian cancer. Last evaluated: 2022-07-05. Review status: criteria provided, single submitter. Criteria: ACMG Guidelines, 2015. Collection method: clinical testing. Allele origin: germline.

Ambry Genetics
Classification: Uncertain significance for Hereditary cancer-predisposing syndrome. Last evaluated: 2019-01-04. Review status: criteria provided, single submitter. Criteria: Ambry Variant Classification Scheme 2023. Collection method: clinical testing. Allele origin: germline.
Comment: The p.G652A variant (also known as c.1955G>C), located in coding exon 4 of the MSH6 gene, results from a G to C substitution at nucleotide position 1955. The glycine at codon 652 is replaced by alanine, an amino acid with similar properties. This amino acid position is not well conserved in available vertebrate species. In addition, this alteration is predicted to be tolerated by in silico analysis. In addition, the CoDP in silico tool predicts this alteration to have minor impact on molecular function, with a score of 0.004 (Terui H et al. J. Biomed. Sci. 2013 Apr;20:25). Since supporting evidence is limited at this time, the clinical significance of this alteration remains unclear.

NM_000179.3(MSH6):c.1955G>C (p.Gly652Ala)

Gene: MSH6 (mutS homolog 6; plus strand). Cytogenetic location: 2p16.3.
Variant type: single nucleotide variant.
Coding change: c.1955G>C on transcript NM_000179.3 (MANE Select); coding-DNA position 1955, G replaced by C.
Protein change: p.Gly652Ala; replaces glycine 652 with alanine.
Molecular consequence: missense variant.
Genome position (GRCh38, 1-based): chr2:47,799,938, G>C. VCF-style: chr2-47799938-G-C. GRCh37 (hg19) VCF-style: chr2-48027077-G-C.
Other names: c.1565G>C, p.Gly522Ala (NM_001281492.2); c.1049G>C, p.Gly350Ala (NM_001281493.2, NM_001281494.2); short protein forms G652A, G350A, G522A.
Identifiers: ClinVar variation 820409 (VCV000820409.5), dbSNP rs1558663683, ClinGen allele CA346750574.